The following is an entry in ClinVar:

ClinVar aggregate classification (germline): Uncertain significance. Review status: criteria provided, multiple submitters, no conflicts (2 of 4 stars). 2 submissions from 2 submitters: Uncertain significance (2). Last evaluated 2026-02-21.

Conditions:
Singleton-Merten syndrome 1 (SGMRT1). Also called: Widened medullary cavities of bone, aortic calcification, abnormal dentition, and muscular weakness; Syndrome of widened medullary cavities of the metacarpals and phalanges, aortic calcification and abnormal dentition. Identifiers: Orphanet 85191, MedGen C4225427, MONDO:0024535, OMIM 182250.
Aicardi-Goutieres syndrome 7 (AGS7). Identifiers: Orphanet 51, MedGen C3888244, MONDO:0014367, OMIM 615846.

gnomAD v4.1: 2 of 1,612,416 alleles (0.00012%); highest among the groups gnomAD compares: Non-Finnish European, 0.00017%; no homozygotes.

Submissions (2):

GeneDx
Classification: Uncertain significance. Last evaluated: 2026-02-21. Review status: criteria provided, single submitter. Criteria: GeneDx Variant Classification Process June 2021. Collection method: clinical testing. Allele origin: germline.
Comment: Not observed at significant frequency in large population cohorts (gnomAD); In silico analysis suggests that this missense variant does not alter protein structure/function; Has not been previously published as pathogenic or benign to our knowledge

Labcorp Genetics (formerly Invitae), Labcorp
Classification: Uncertain significance for Aicardi-Goutieres syndrome 7; Singleton-Merten syndrome 1. Last evaluated: 2024-03-16. Review status: criteria provided, single submitter. Criteria: Invitae Variant Classification Sherloc (09022015). Collection method: clinical testing. Allele origin: germline.
Comment: This sequence change replaces serine, which is neutral and polar, with proline, which is neutral and non-polar, at codon 301 of the IFIH1 protein (p.Ser301Pro). This variant is not present in population databases (gnomAD no frequency). This variant has not been reported in the literature in individuals affected with IFIH1-related conditions. Advanced modeling of protein sequence and biophysical properties (such as structural, functional, and spatial information, amino acid conservation, physicochemical variation, residue mobility, and thermodynamic stability) has been performed at Invitae for this missense variant, however the output from this modeling did not meet the statistical confidence thresholds required to predict the impact of this variant on IFIH1 protein function. In summary, the available evidence is currently insufficient to determine the role of this variant in disease. Therefore, it has been classified as a Variant of Uncertain Significance.

NM_022168.4(IFIH1):c.901T>C (p.Ser301Pro)

Gene: IFIH1 (interferon induced with helicase C domain 1; minus strand). Cytogenetic location: 2q24.2.
Variant type: single nucleotide variant.
Coding change: c.901T>C on transcript NM_022168.4 (MANE Select); coding-DNA position 901, T replaced by C.
Protein change: p.Ser301Pro; replaces serine 301 with proline.
Molecular consequence: missense variant.
Genome position (GRCh38, 1-based): chr2:162,288,329, A>G on the plus strand (T>C on the coding strand, the complement: IFIH1 is on the minus strand). VCF-style: chr2-162288329-A-G. GRCh37 (hg19) VCF-style: chr2-163144839-A-G.
Other names: c.901T>C (NM_022168.3); short protein forms S301P.
Identifiers: ClinVar variation 2933963 (VCV002933963.4), dbSNP rs988912608, ClinGen allele CA349004947.